The following is an entry in ClinVar:

NM_000127.3(EXT1):c.1193del (p.Gln398fs)

Gene: EXT1 (exostosin glycosyltransferase 1; minus strand). Cytogenetic location: 8q24.11.
Variant type: Deletion.
Coding change: c.1193del on transcript NM_000127.3 (MANE Select); coding-DNA position 1193, one base deleted (A; older notation c.1193delA).
Protein change: p.Gln398fs; shifts the reading frame from glutamine 398.
Molecular consequence: frameshift variant.
Genome position (GRCh38, 1-based): chr8:117,830,321, T deleted on the plus strand (A on the coding strand, the reverse complement: EXT1 is on the minus strand). VCF-style (leftmost placement, unchanged base first): chr8-117830320-CT-C. GRCh37 (hg19) VCF-style: chr8-118842559-CT-C.
Other names: short protein forms Q398fs.
Identifiers: ClinVar variation 1430937 (VCV001430937.6), dbSNP rs2129772368, ClinGen allele CA2573142836.

ClinVar aggregate classification (germline): Pathogenic (1 of 4 stars; one submission).

Conditions:
Multiple congenital exostosis (EXT). Also called: Hereditary multiple exostoses; Hereditary multiple exostosis; Multiple exostoses; Multiple osteochondromas; MULTIPLE CARTILAGINOUS EXOSTOSES; Hereditary multiple osteochondromas. Identifiers: Orphanet 321, MedGen C0015306, MONDO:0005508, HP:0002762.

Submission:

Labcorp Genetics (formerly Invitae), Labcorp
Classification: Pathogenic for Multiple congenital exostosis. Last evaluated: 2021-08-16. Review status: criteria provided, single submitter. Criteria: Invitae Variant Classification Sherloc (09022015). Collection method: clinical testing. Allele origin: germline.
Comment: This sequence change creates a premature translational stop signal (p.Gln398Argfs*5) in the EXT1 gene. It is expected to result in an absent or disrupted protein product. Loss-of-function variants in EXT1 are known to be pathogenic (PMID: 10679937, 11391482, 19810120). This variant is not present in population databases (ExAC no frequency). This variant has not been reported in the literature in individuals affected with EXT1-related conditions. For these reasons, this variant has been classified as Pathogenic.

Literature cited by the submitters: PubMed 10679937; PubMed 11391482; PubMed 19810120.